The following is an entry in ClinVar:

ClinVar aggregate classification (germline): Likely benign. Review status: criteria provided, multiple submitters, no conflicts (2 of 4 stars). 3 submissions from 3 submitters: Likely benign (2). 1 of the submissions does not count toward it. Last evaluated 2026-02-01.

Conditions:
SLC6A3-related disorder. Also called: SLC6A3-related condition.
Parkinsonism-dystonia, infantile. Identifiers: Orphanet 238455, MedGen C2751067, MONDO:0013150.

Allele frequency attached by ClinVar (database versions not stated): ExAC 0.00011; gnomAD exomes 0.00011; ESP Exome Variant Server 0.00031; gnomAD 0.00034; TOPMed 0.00043; 1000 Genomes Project 0.00060; 1000 Genomes Project 30x 0.00078.
gnomAD v4.1: 233 of 1,614,146 alleles (0.014%); highest among the groups gnomAD compares: African/African-American, 0.12%; no homozygotes.

Submissions (3):

CeGaT Center for Human Genetics Tuebingen
Classification: Likely benign. Last evaluated: 2026-02-01. Review status: criteria provided, single submitter. Criteria: CeGaT Center For Human Genetics Tuebingen Variant Classification Criteria Version 2. Collection method: clinical testing. Allele origin: germline. Affected: yes. Observed: 2 variant alleles.
Comment: SLC6A3: BP4, BP7

Labcorp Genetics (formerly Invitae), Labcorp
Classification: Likely benign for Parkinsonism-dystonia, infantile. Last evaluated: 2025-10-08. Review status: criteria provided, single submitter. Criteria: Invitae Variant Classification Sherloc (09022015). Collection method: clinical testing. Allele origin: germline.

PreventionGenetics, part of Exact Sciences
Classification: Likely benign for SLC6A3-related condition. Last evaluated: 2019-05-09. Review status: no assertion criteria provided. Collection method: clinical testing. Allele origin: germline. Not counted in ClinVar's aggregate classification.
Comment: This variant is classified as likely benign based on ACMG/AMP sequence variant interpretation guidelines (Richards et al. 2015 PMID: 25741868, with internal and published modifications).

NM_001044.5(SLC6A3):c.456C>T (p.Val152=)

Gene: SLC6A3 (solute carrier family 6 member 3). Cytogenetic location: 5p15.33.
Variant type: single nucleotide variant.
Coding change: c.456C>T on transcript NM_001044.5 (MANE Select); coding-DNA position 456, C replaced by T.
Protein change: p.Val152=; no amino-acid change (valine 152 retained).
Molecular consequence: synonymous variant.
Genome position (GRCh38, 1-based): chr5:1,432,661, G>A on the plus strand (C>T on the coding strand, the complement: SLC6A3 is on the minus strand). VCF-style: chr5-1432661-G-A. GRCh37 (hg19) VCF-style: chr5-1432776-G-A.
Identifiers: ClinVar variation 696039 (VCV000696039.23), dbSNP rs147399016, ClinGen allele CA3186361.
Genomic context (GRCh38, chr5:1,432,661, plus strand): 5'-GGTGAAGGAGGAGAAGAGATAGTGCAGCGCCCAGGCGATGATGACGTTGTAGAAGAAGCC[G>A]ACATACAGTGAGATGAGGATGACCGTGAAGCCCACACCTAGCGGGAAGGGGGAGGCCATG-3'
Protein context (NP_001035.1, residues 142-162): GFTVILISLY[Val152=]GFFYNVIIAW